The following is an entry in ClinVar:

ClinVar aggregate classification (germline): Uncertain significance (1 of 4 stars; one submission).

Conditions:
Autosomal dominant hypocalcemia 1 (HYPOC1). Also called: HYPOCALCEMIA, FAMILIAL. Identifiers: MedGen C3715128, MONDO:0011013, OMIM 601198.
Familial hypocalciuric hypercalcemia (FHH). Also called: Familial benign hypercalcemia. Identifiers: Orphanet 405, MedGen C1809471, MONDO:0018458.

Submission:

Labcorp Genetics (formerly Invitae), Labcorp
Classification: Uncertain significance for Familial hypocalciuric hypercalcemia; Autosomal dominant hypocalcemia 1. Last evaluated: 2021-07-22. Review status: criteria provided, single submitter. Criteria: Invitae Variant Classification Sherloc (09022015). Collection method: clinical testing. Allele origin: germline.
Comment: Algorithms developed to predict the effect of missense changes on protein structure and function (SIFT, PolyPhen-2, Align-GVGD) all suggest that this variant is likely to be disruptive, but these predictions have not been confirmed by published functional studies and their clinical significance is uncertain. In summary, the available evidence is currently insufficient to determine the role of this variant in disease. Therefore, it has been classified as a Variant of Uncertain Significance. This variant has not been reported in the literature in individuals with CASR-related disease. This variant is not present in population databases (ExAC no frequency). This sequence change replaces serine with phenylalanine at codon 182 of the CASR protein (p.Ser182Phe). The serine residue is highly conserved and there is a large physicochemical difference between serine and phenylalanine.

NM_000388.4(CASR):c.545C>T (p.Ser182Phe)

Gene: CASR (calcium sensing receptor; plus strand). Cytogenetic location: 3q21.1.
Variant type: single nucleotide variant.
Coding change: c.545C>T on transcript NM_000388.4 (MANE Select); coding-DNA position 545, C replaced by T.
Protein change: p.Ser182Phe; replaces serine 182 with phenylalanine.
Molecular consequence: missense variant.
Genome position (GRCh38, 1-based): chr3:122,261,580, C>T. VCF-style: chr3-122261580-C-T. GRCh37 (hg19) VCF-style: chr3-121980427-C-T.
Other names: c.545C>T, p.Ser182Phe (NM_001178065.2); short protein forms S182F.
Identifiers: ClinVar variation 655587 (VCV000655587.9), dbSNP rs1576857952, ClinGen allele CA354150821.